The following is an entry in ClinVar:

NM_001370259.2(MEN1):c.298_299del (p.Ala100fs)

Gene: MEN1 (menin 1; minus strand). Cytogenetic location: 11q13.1.
Variant type: Microsatellite.
Coding change: c.298_299del on transcript NM_001370259.2 (MANE Select); coding-DNA positions 298 to 299, 2 bases deleted (GC; older notation c.298_299delGC).
Protein change: p.Ala100fs; shifts the reading frame from alanine 100.
Molecular consequence: frameshift variant. On other transcripts: non-coding transcript variant (4).
Genome position (GRCh38, 1-based): chr11:64,809,811-64,809,812, GC deleted on the plus strand (GC on the coding strand, the reverse complement: MEN1 is on the minus strand); deleting any 2 consecutive bases within chr11:64,809,811-64,809,814 gives the same sequence; the c. name uses the placement nearest the transcript's 3' end. VCF-style (leftmost placement, unchanged base first): chr11-64809810-GGC-G. GRCh37 (hg19) VCF-style: chr11-64577282-GGC-G.
Other names: c.298_299delGC (NM_130799.2); c.298_299del, p.Ala100fs (NM_000244.4, NM_001370251.2, NM_001370260.2 and 20 more transcripts); c.296_297GC[1], p.Ala100Argfs (NM_130799.2); short protein forms A100fs.
Identifiers: ClinVar variation 3294225 (VCV003294225.1).
Genomic context (GRCh38, chr11:64,809,810, plus strand): 5'-CTTCTTCACCAGCTCACGGCTGGAGACACCCCCTTCTCGAGGATAGAGGGACAGGTCGAC[GGC>G]GCCTCGGATCTGGGCGGTGAAGCGGGCATAGAGGGCGGCGATGATAGACAGGTCGGCCAC-3'

ClinVar aggregate classification (germline): Pathogenic (1 of 4 stars; one submission).

Conditions:
Hereditary cancer-predisposing syndrome. Also called: Tumor predisposition; Hereditary Cancer Syndrome; Hereditary neoplastic syndrome; Neoplastic Syndromes, Hereditary. Identifiers: Orphanet 140162, MedGen C0027672, MeSH D009386, MONDO:0015356.

Submission:

Ambry Genetics
Classification: Pathogenic for Hereditary cancer-predisposing syndrome. Last evaluated: 2024-06-10. Review status: criteria provided, single submitter. Criteria: Ambry Variant Classification Scheme 2023. Collection method: clinical testing. Allele origin: germline.
Comment: The c.298_299delGC pathogenic mutation, located in coding exon 1 of the MEN1 gene, results from a deletion of two nucleotides at nucleotide positions 298 to 299, causing a translational frameshift with a predicted alternate stop codon (p.A100Rfs*16). This variant has been observed in at least one individual with a personal and/or family history that is consistent with multiple endocrine neoplasia type 1 (Ambry internal data). This variant is considered to be rare based on population cohorts in the Genome Aggregation Database (gnomAD). This alteration is expected to result in loss of function by premature protein truncation or nonsense-mediated mRNA decay. As such, this alteration is interpreted as a disease-causing mutation.